The following is an entry in ClinVar:

ClinVar aggregate classification (germline): Uncertain significance (1 of 4 stars; one submission).

Conditions:
Neuronal ceroid lipofuscinosis. Also called: Neuronal Ceroid Lipofuscinoses. Identifiers: Orphanet 216, Orphanet 79263, MedGen C0027877, MONDO:0016295. Disease mechanism: loss of function.

Allele frequency attached by ClinVar (database versions not stated): ExAC 0.00001; gnomAD 0.00001; gnomAD exomes 0.00001.

Submission:

Labcorp Genetics (formerly Invitae), Labcorp
Classification: Uncertain significance for Neuronal ceroid lipofuscinosis. Last evaluated: 2022-05-25. Review status: criteria provided, single submitter. Criteria: Invitae Variant Classification Sherloc (09022015). Collection method: clinical testing. Allele origin: germline.
Comment: This sequence change replaces isoleucine, which is neutral and non-polar, with methionine, which is neutral and non-polar, at codon 301 of the CLN5 protein (p.Ile301Met). This variant is present in population databases (rs761675809, gnomAD 0.002%). This variant has not been reported in the literature in individuals affected with CLN5-related conditions. Algorithms developed to predict the effect of missense changes on protein structure and function are either unavailable or do not agree on the potential impact of this missense change (SIFT: "Deleterious"; PolyPhen-2: "Possibly Damaging"; Align-GVGD: "Class C0"). In summary, the available evidence is currently insufficient to determine the role of this variant in disease. Therefore, it has been classified as a Variant of Uncertain Significance.

NM_006493.4(CLN5):c.756A>G (p.Ile252Met)

Gene: CLN5 (CLN5 lysosomal BMP synthase; plus strand). Cytogenetic location: 13q22.3.
Variant type: single nucleotide variant.
Coding change: c.756A>G on transcript NM_006493.4 (MANE Select); coding-DNA position 756, A replaced by G.
Protein change: p.Ile252Met; replaces isoleucine 252 with methionine.
Molecular consequence: missense variant. On other transcripts: 3 prime UTR variant (1).
Genome position (GRCh38, 1-based): chr13:77,000,648, A>G. VCF-style: chr13-77000648-A-G. GRCh37 (hg19) VCF-style: chr13-77574783-A-G.
Other names: c.*205A>G (NM_001366624.2); short protein forms I301M, I252M.
Identifiers: ClinVar variation 2196087 (VCV002196087.1), dbSNP rs761675809, ClinGen allele CA7007253.